The following is an entry in ClinVar:

ClinVar aggregate classification (germline): Uncertain significance (1 of 4 stars; one submission).

Conditions:
Thrombomodulin-related bleeding disorder (THPH12). Also called: Thrombophilia due to thrombomodulin defect. Identifiers: Orphanet 436169, MedGen C3280976, MONDO:0013775, OMIM 614486.

gnomAD v4.1: 5 of 1,593,010 alleles (0.00031%); highest among the groups gnomAD compares: Non-Finnish European, 0.00043%; no homozygotes.

Submission:

Genomenon, Inc
Classification: Uncertain significance for Thrombomodulin-related bleeding disorder. Last evaluated: 2025-09-22. Review status: criteria provided, single submitter. Criteria: Genomenon Sequence Variant Interpretation Standards - Updated. Collection method: curation. Allele origin: germline. Affected: no.
Comment: THBD p.Glu569Lys (c.1705G>A) is a missense variant that changes the amino acid at residue 569 from Glutamic acid to Lysine. This variant has been reported in the published literature (PMID:37567446). It is absent or not present at a significant frequency in gnomAD. In silico models agree that this variant is not damaging. In conclusion, we classify THBD p.Glu569Lys (c.1705G>A) as a variant of unknown significance.

Literature cited by the submitters: PubMed 37567446.

NM_000361.3(THBD):c.1705G>A (p.Glu569Lys)

Gene: THBD (thrombomodulin; minus strand). Cytogenetic location: 20p11.21.
Variant type: single nucleotide variant.
Coding change: c.1705G>A on transcript NM_000361.3 (MANE Select); coding-DNA position 1705, G replaced by A.
Protein change: p.Glu569Lys; replaces glutamic acid 569 with lysine.
Molecular consequence: missense variant.
Genome position (GRCh38, 1-based): chr20:23,047,800, C>T on the plus strand (G>A on the coding strand, the complement: THBD is on the minus strand). VCF-style: chr20-23047800-C-T. GRCh37 (hg19) VCF-style: chr20-23028437-C-T.
Other names: short protein forms E569K.
Identifiers: ClinVar variation 4280572 (VCV004280572.1).